The following is an entry in ClinVar:

NM_007348.4(ATF6):c.566C>T (p.Ala189Val)

Gene: ATF6 (activating transcription factor 6; plus strand). Cytogenetic location: 1q23.3.
Variant type: single nucleotide variant.
Coding change: c.566C>T on transcript NM_007348.4 (MANE Select); coding-DNA position 566, C replaced by T.
Protein change: p.Ala189Val; replaces alanine 189 with valine.
Molecular consequence: missense variant.
Genome position (GRCh38, 1-based): chr1:161,792,205, C>T. VCF-style: chr1-161792205-C-T. GRCh37 (hg19) VCF-style: chr1-161761995-C-T.
Other names: c.566C>T, p.Ala189Val (NM_001410890.1); c.566C>T (NM_007348.3); short protein forms A189V.
Identifiers: ClinVar variation 1995742 (VCV001995742.6), dbSNP rs1684897904, ClinGen allele CA343386498.

ClinVar aggregate classification (germline): Uncertain significance. Review status: criteria provided, multiple submitters, no conflicts (2 of 4 stars). 3 submissions from 3 submitters: Uncertain significance (3). Last evaluated 2024-01-03.

Conditions:
Inborn genetic diseases. Identifiers: MedGen C0950123, MeSH D030342.

Allele frequency attached by ClinVar (database versions not stated): gnomAD exomes below 0.00001; TOPMed below 0.00001.
gnomAD v4.1: 3 of 1,614,144 alleles (0.00019%); highest among the groups gnomAD compares: Non-Finnish European, 0.00025%; no homozygotes.

Submissions (3):

Ambry Genetics
Classification: Uncertain significance for Inborn genetic diseases. Last evaluated: 2024-01-03. Review status: criteria provided, single submitter. Criteria: Ambry Variant Classification Scheme 2023. Collection method: clinical testing. Allele origin: germline.

Blueprint Genetics
Classification: Uncertain significance. Last evaluated: 2022-09-02. Review status: criteria provided, single submitter. Criteria: ACMG Guidelines, 2015. Collection method: clinical testing. Allele origin: germline.

Labcorp Genetics (formerly Invitae), Labcorp
Classification: Uncertain significance. Last evaluated: 2022-05-31. Review status: criteria provided, single submitter. Criteria: Invitae Variant Classification Sherloc (09022015). Collection method: clinical testing. Allele origin: germline.
Comment: This variant is not present in population databases (gnomAD no frequency). This sequence change replaces alanine, which is neutral and non-polar, with valine, which is neutral and non-polar, at codon 189 of the ATF6 protein (p.Ala189Val). This variant has not been reported in the literature in individuals affected with ATF6-related conditions. Algorithms developed to predict the effect of missense changes on protein structure and function output the following: SIFT: "Tolerated"; PolyPhen-2: "Benign"; Align-GVGD: "Class C0". The valine amino acid residue is found in multiple mammalian species, which suggests that this missense change does not adversely affect protein function. In summary, the available evidence is currently insufficient to determine the role of this variant in disease. Therefore, it has been classified as a Variant of Uncertain Significance.